The following is an entry in ClinVar:

NM_004260.4(RECQL4):c.1562G>T (p.Arg521Leu)

Gene: RECQL4 (RecQ like helicase 4; minus strand). Cytogenetic location: 8q24.3.
Variant type: single nucleotide variant.
Coding change: c.1562G>T on transcript NM_004260.4 (MANE Select); coding-DNA position 1562, G replaced by T.
Protein change: p.Arg521Leu; replaces arginine 521 with leucine.
Molecular consequence: missense variant. On other transcripts: non-coding transcript variant (3).
Genome position (GRCh38, 1-based): chr8:144,514,994, C>A on the plus strand (G>T on the coding strand, the complement: RECQL4 is on the minus strand). VCF-style: chr8-144514994-C-A. GRCh37 (hg19) VCF-style: chr8-145740378-C-A.
Other names: c.491G>T, p.Arg164Leu (NM_001413034.1, NM_001413035.1, NM_001413037.1 and 7 more transcripts); c.1562G>T, p.Arg521Leu (NM_001413036.1, NM_001413018.1, NM_001413019.1 and 1 more transcripts); c.1532G>T, p.Arg511Leu (NM_001413039.1); c.425G>T, p.Arg142Leu (NM_001413041.1, NM_001413027.1, NM_001413030.1 and 2 more transcripts); c.461G>T, p.Arg154Leu (NM_001413042.1); c.95G>T, p.Arg32Leu (NM_001413043.1); c.1466G>T, p.Arg489Leu (NM_001413017.1, NM_001413020.1); c.1433G>T, p.Arg478Leu (NM_001413025.1); and 1 more; short protein forms R142L, R154L, R164L, R32L, R404L, R478L, R489L, R511L.
Identifiers: ClinVar variation 4805078 (VCV004805078.1).

ClinVar aggregate classification (germline): Uncertain significance (1 of 4 stars; one submission).

Conditions:
Baller-Gerold syndrome (BGS). Also called: CRANIOSYNOSTOSIS WITH RADIAL DEFECTS. Identifiers: Orphanet 1225, MedGen C0265308, MONDO:0009039, OMIM 218600.

Submission:

Labcorp Genetics (formerly Invitae), Labcorp
Classification: Uncertain significance for Baller-Gerold syndrome. Last evaluated: 2025-11-09. Review status: criteria provided, single submitter. Criteria: Invitae Variant Classification Sherloc (09022015). Collection method: clinical testing. Allele origin: germline.
Comment: This sequence change replaces arginine, which is basic and polar, with leucine, which is neutral and non-polar, at codon 521 of the RECQL4 protein (p.Arg521Leu). This variant is not present in population databases (gnomAD no frequency). This variant has not been reported in the literature in individuals affected with RECQL4-related conditions. Invitae Evidence Modeling of protein sequence and biophysical properties (such as structural, functional, and spatial information, amino acid conservation, physicochemical variation, residue mobility, and thermodynamic stability) indicates that this missense variant is not expected to disrupt RECQL4 protein function with a negative predictive value of 80%. In summary, the available evidence is currently insufficient to determine the role of this variant in disease. Therefore, it has been classified as a Variant of Uncertain Significance.